The following is an entry in ClinVar:

NM_006796.3(AFG3L2):c.1931C>G (p.Thr644Ser)

Gene: AFG3L2 (AFG3 like matrix AAA peptidase subunit 2; minus strand). Cytogenetic location: 18p11.21.
Variant type: single nucleotide variant.
Coding change: c.1931C>G on transcript NM_006796.3 (MANE Select); coding-DNA position 1931, C replaced by G.
Protein change: p.Thr644Ser; replaces threonine 644 with serine.
Molecular consequence: missense variant.
Genome position (GRCh38, 1-based): chr18:12,340,250, G>C on the plus strand (C>G on the coding strand, the complement: AFG3L2 is on the minus strand). VCF-style: chr18-12340250-G-C. GRCh37 (hg19) VCF-style: chr18-12340249-G-C.
Other names: short protein forms T644S.
Identifiers: ClinVar variation 3233476 (VCV003233476.3), dbSNP rs1226952405, ClinGen allele CA401946750.
Genomic context (GRCh38, chr18:12,340,250, plus strand): 5'-CATATACTCACTTGGGCATATGCACTCTGAGTTACTTTTCTCAAGTCATCTTGAGCACCA[G>C]TTGTAATTCTTCCAAAGAAGATTTCTTCAGAGACTCGACCACCTAAAGTCATACACATCC-3'
Protein context (NP_006787.2, residues 634-654): SEEIFFGRIT[Thr644Ser]GAQDDLRKVT

ClinVar aggregate classification (germline): Uncertain significance. Review status: criteria provided, multiple submitters, no conflicts (2 of 4 stars). 2 submissions from 2 submitters: Uncertain significance (2). Last evaluated 2024-08-30.

Allele frequency attached by ClinVar (database versions not stated): TOPMed 0.00001; gnomAD 0.00002; gnomAD exomes 0.00002.

Submissions (2):

Athena Diagnostics
Classification: Uncertain significance. Last evaluated: 2024-08-30. Review status: criteria provided, single submitter. Criteria: Athena Diagnostics Criteria. Collection method: clinical testing. Allele origin: unknown.
Comment: Available data are insufficient to determine the clinical significance of the variant at this time. The frequency of this variant in the general population is uninformative in assessment of its pathogenicity. Polyphen and MutationTaster yielded discordant predictions regarding whether this amino acid change is damaging to the protein. The variant is located in a region that is considered important for protein function and/or structure.

Women's Health and Genetics/Laboratory Corporation of America, LabCorp
Classification: Uncertain significance. Last evaluated: 2024-03-12. Review status: criteria provided, single submitter. Criteria: LabCorp Variant Classification Summary - May 2015. Collection method: clinical testing. Allele origin: germline.
Comment: Variant summary: AFG3L2 c.1931C>G (p.Thr644Ser) results in a conservative amino acid change located in the Peptidase M41 (IPR000642) of the encoded protein sequence. Three of five in-silico tools predict a damaging effect of the variant on protein function. The variant allele was found at a frequency of 4e-06 in 251418 control chromosomes. The available data on variant occurrences in the general population are insufficient to allow any conclusion about variant significance. c.1931C>G has been reported in the literature in individuals affected with autosomal dominant optic atrophy and inherited optic neuropathy (Charif_2020, 2021). These data do not allow any conclusion about variant significance. To our knowledge, no experimental evidence demonstrating an impact on protein function has been reported. The following publications have been ascertained in the context of this evaluation (PMID: 33841295, 32548275). No submitters have cited clinical-significance assessments for this variant to ClinVar. Based on the evidence outlined above, the variant was classified as uncertain significance.

Literature cited by the submitters: PubMed 32548275 (cited by Athena Diagnostics and Women's Health and Genetics/Laboratory Corporation of America, LabCorp); PubMed 33841295 (cited by Athena Diagnostics and Women's Health and Genetics/Laboratory Corporation of America, LabCorp).